The following is an entry in ClinVar:

ClinVar aggregate classification (germline): Uncertain significance (1 of 4 stars; one submission).

Conditions:
Aortic aneurysm, familial thoracic 6 (AAT6). Also called: FAMILIAL THORACIC AORTIC ANEURYSM WITH LIVEDO RETICULARIS AND IRIS FLOCCULI. Identifiers: MedGen C2673186, MONDO:0012730, OMIM 611788.

Submission:

Labcorp Genetics (formerly Invitae), Labcorp
Classification: Uncertain significance for Aortic aneurysm, familial thoracic 6. Last evaluated: 2021-09-02. Review status: criteria provided, single submitter. Criteria: Invitae Variant Classification Sherloc (09022015). Collection method: clinical testing. Allele origin: germline.
Comment: This sequence change results in a frameshift in the ACTA2 gene (p.Cys376Alafs*44). While this is not anticipated to result in nonsense mediated decay, it is expected to disrupt the last 2 amino acid(s) of the ACTA2 protein and extend the protein by 41 additional amino acid residues. This variant is not present in population databases (ExAC no frequency). This frameshift has been observed in individual(s) with thoracic aortic aneurysm (Invitae). In summary, the available evidence is currently insufficient to determine the role of this variant in disease. Therefore, it has been classified as a Variant of Uncertain Significance.

NM_001613.4(ACTA2):c.1126del (p.Cys376fs)

Genes: ACTA2 (actin alpha 2, smooth muscle; minus strand), ACTA2-AS1 (ACTA2 antisense RNA 1; plus strand). Cytogenetic location: 10q23.31.
Variant type: Deletion.
Coding change: c.1126del on transcript NM_001613.4 (MANE Select); coding-DNA position 1126, one base deleted (T; older notation c.1126delT).
Protein change: p.Cys376fs; shifts the reading frame from cysteine 376.
Molecular consequence: frameshift variant. On other transcripts: non-coding transcript variant (1).
Genome position (GRCh38, 1-based): chr10:88,935,231, A deleted on the plus strand (T on the coding strand, the reverse complement: ACTA2 is on the minus strand). VCF-style (leftmost placement, unchanged base first): chr10-88935230-CA-C. GRCh37 (hg19) VCF-style: chr10-90694987-CA-C.
Other names: c.1126delT, p.Cys376Alafs (NM_001141945.3, NM_001320855.2, NM_001406462.1 and 3 more transcripts); c.1015delT, p.Cys339Alafs (NM_001406466.1); c.997delT, p.Cys333Alafs (NM_001406467.1, NM_001406468.1, NM_001406469.1); c.934delT, p.Cys312Alafs (NM_001406471.1); short protein forms C376fs.
Identifiers: ClinVar variation 854409 (VCV000854409.8), dbSNP rs1845710478, ClinGen allele CA916082335.